The following is an entry in ClinVar:

NM_006231.4(POLE):c.2810A>G (p.Tyr937Cys)

Gene: POLE (DNA polymerase epsilon, catalytic subunit; minus strand). Cytogenetic location: 12q24.33.
Variant type: single nucleotide variant.
Coding change: c.2810A>G on transcript NM_006231.4 (MANE Select); coding-DNA position 2810, A replaced by G.
Protein change: p.Tyr937Cys; replaces tyrosine 937 with cysteine.
Molecular consequence: missense variant.
Genome position (GRCh38, 1-based): chr12:132,661,581, T>C on the plus strand (A>G on the coding strand, the complement: POLE is on the minus strand). VCF-style: chr12-132661581-T-C. GRCh37 (hg19) VCF-style: chr12-133238167-T-C.
Other names: c.2810A>G (NM_006231.2); short protein forms Y937C.
Identifiers: ClinVar variation 951570 (VCV000951570.10), dbSNP rs1052708635, ClinGen allele CA246317376.

ClinVar aggregate classification (germline): Uncertain significance. Review status: criteria provided, multiple submitters, no conflicts (2 of 4 stars). 2 submissions from 2 submitters: Uncertain significance (2). Last evaluated 2025-11-24.

Conditions:
Hereditary cancer-predisposing syndrome. Also called: Tumor predisposition; Hereditary neoplastic syndrome; Neoplastic Syndromes, Hereditary; Hereditary Cancer Syndrome. Identifiers: Orphanet 140162, MedGen C0027672, MeSH D009386, MONDO:0015356.

Submissions (2):

Labcorp Genetics (formerly Invitae), Labcorp
Classification: Uncertain significance. Last evaluated: 2025-11-24. Review status: criteria provided, single submitter. Criteria: Invitae Variant Classification Sherloc (09022015). Collection method: clinical testing. Allele origin: germline.
Comment: This sequence change replaces tyrosine, which is neutral and polar, with cysteine, which is neutral and slightly polar, at codon 937 of the POLE protein (p.Tyr937Cys). This variant is not present in population databases (gnomAD no frequency). This variant has not been reported in the literature in individuals affected with POLE-related conditions. ClinVar contains an entry for this variant (Variation ID: 951570). Invitae Evidence Modeling of protein sequence and biophysical properties (such as structural, functional, and spatial information, amino acid conservation, physicochemical variation, residue mobility, and thermodynamic stability) indicates that this missense variant is expected to disrupt POLE protein function with a positive predictive value of 80%. In summary, the available evidence is currently insufficient to determine the role of this variant in disease. Therefore, it has been classified as a Variant of Uncertain Significance.

Ambry Genetics
Classification: Uncertain significance for Hereditary cancer-predisposing syndrome. Last evaluated: 2023-12-29. Review status: criteria provided, single submitter. Criteria: Ambry Variant Classification Scheme 2023. Collection method: clinical testing. Allele origin: germline.
Comment: The p.Y937C variant (also known as c.2810A>G), located in coding exon 24 of the POLE gene, results from an A to G substitution at nucleotide position 2810. The tyrosine at codon 937 is replaced by cysteine, an amino acid with highly dissimilar properties. This amino acid position is conserved. In addition, this alteration is predicted to be deleterious by in silico analysis. Since supporting evidence is limited at this time, the clinical significance of this alteration remains unclear.